The following is an entry in ClinVar:

ClinVar aggregate classification (germline): Pathogenic. Review status: criteria provided, multiple submitters, no conflicts (2 of 4 stars). 2 submissions from 2 submitters: Pathogenic (2). Last evaluated 2024-10-27.

Conditions:
Leukoencephalopathy with brain stem and spinal cord involvement-high lactate syndrome (LBSL). Also called: Leukoencephalopathy with Brainstem and Spinal Cord Involvement and Lactate Elevation; LEUKOENCEPHALOPATHY WITH BRAINSTEM AND SPINAL CORD INVOLVEMENT AND LACTATE ELEVATION, MILD; MITOCHONDRIAL ASPARTYL-tRNA SYNTHETASE DEFICIENCY. Identifiers: Orphanet 137898, MedGen C1970180, MONDO:0012622, OMIM 611105.

Submissions (2):

3billion
Classification: Pathogenic for Leukoencephalopathy with brain stem and spinal cord involvement-high lactate syndrome. Last evaluated: 2024-10-27. Review status: criteria provided, single submitter. Criteria: ACMG Guidelines, 2015. Collection method: clinical testing. Allele origin: germline. Affected: yes.
Comment: The variant is not observed in the gnomAD v4.1.0 dataset. Predicted Consequence/Location: Stop-gained (nonsense): predicted to result in a loss or disruption of normal protein function through nonsense-mediated decay (NMD) or protein truncation. Multiple pathogenic variants are reported downstream of the variant. The variant has been reported to be associated with DARS2 related disorder (ClinVar ID: VCV002888230). Therefore, this variant is classified as Pathogenic according to the recommendation of ACMG/AMP guideline.

Labcorp Genetics (formerly Invitae), Labcorp
Classification: Pathogenic. Last evaluated: 2024-05-15. Review status: criteria provided, single submitter. Criteria: Invitae Variant Classification Sherloc (09022015). Collection method: clinical testing. Allele origin: germline.
Comment: This sequence change creates a premature translational stop signal (p.Glu518*) in the DARS2 gene. It is expected to result in an absent or disrupted protein product. Loss-of-function variants in DARS2 are known to be pathogenic (PMID: 17384640, 24566671). This variant is not present in population databases (gnomAD no frequency). This variant has not been reported in the literature in individuals affected with DARS2-related conditions. Algorithms developed to predict the effect of sequence changes on RNA splicing suggest that this variant may disrupt the consensus splice site. For these reasons, this variant has been classified as Pathogenic.

Literature cited by the submitters: PubMed 17384640 (cited by Labcorp Genetics (formerly Invitae), Labcorp); PubMed 24566671 (cited by Labcorp Genetics (formerly Invitae), Labcorp).

NM_018122.5(DARS2):c.1552G>T (p.Glu518Ter)

Gene: DARS2 (aspartyl-tRNA synthetase 2, mitochondrial; plus strand). Cytogenetic location: 1q25.1.
Variant type: single nucleotide variant.
Coding change: c.1552G>T on transcript NM_018122.5 (MANE Select); coding-DNA position 1552, G replaced by T.
Protein change: p.Glu518Ter; replaces glutamic acid 518 with a stop codon.
Molecular consequence: nonsense.
Genome position (GRCh38, 1-based): chr1:173,853,556, G>T. VCF-style: chr1-173853556-G-T. GRCh37 (hg19) VCF-style: chr1-173822694-G-T.
Other names: c.1399G>T, p.Glu467Ter (NM_001365212.1); short protein forms E467*, E518*.
Identifiers: ClinVar variation 2888230 (VCV002888230.4), dbSNP rs780089971, ClinGen allele CA343766721.